The following is an entry in ClinVar:

ClinVar aggregate classification (germline): Conflicting classifications of pathogenicity. Review status: criteria provided, conflicting classifications (1 of 4 stars). 7 submissions from 6 submitters: Uncertain significance (5); Likely benign (1). 1 of the submissions does not count toward it. Last evaluated 2025-11-18.

Conditions:
RYR1-related disorder. Also called: RYR1-related condition; RYR1-related disorders. Identifiers: MedGen CN239331.
Congenital multicore myopathy with external ophthalmoplegia (CMYO1B). Also called: MULTICORE MYOPATHY; Minicore myopathy with external ophthalmoplegia; Congenital myopathy 1B, autosomal recessive; Minicore myopathy; MULTIMINICORE DISEASE WITH EXTERNAL OPHTHALMOPLEGIA. Identifiers: Orphanet 598, Orphanet 98905, MedGen C1850674, MONDO:0009712, OMIM 255320, HP:0003789.
Malignant hyperthermia, susceptibility to, 1 (MHS1). Also called: Anesthesia related hyperthermia; Malignant hyperpyrexia; Fulminating hyperpyrexia; Pharmacogenic myopathy; RYR1-Related Malignant Hyperthermia Susceptibility; Malignant hyperthermia suceptibility 1. Identifiers: Orphanet 423, MedGen C2930980, MONDO:0007783, OMIM 145600.

Allele frequency attached by ClinVar (database versions not stated): gnomAD 0.00003; gnomAD exomes 0.00005 and 0.00006; TOPMed 0.00005; ExAC 0.00009.
gnomAD v4.1: 80 of 1,613,572 alleles (0.005%); highest among the groups gnomAD compares: Non-Finnish European, 0.0063%; no homozygotes.

Submissions (7):

Labcorp Genetics (formerly Invitae), Labcorp
Classification: Likely benign for RYR1-related disorder. Last evaluated: 2025-11-18. Review status: criteria provided, single submitter. Criteria: Invitae Variant Classification Sherloc (09022015). Collection method: clinical testing. Allele origin: germline.

Color Diagnostics, LLC DBA Color Health
Classification: Uncertain significance for Malignant hyperthermia, susceptibility to, 1. Last evaluated: 2024-02-03. Review status: criteria provided, single submitter. Criteria: ACMG Guidelines, 2015. Collection method: clinical testing. Allele origin: germline.
Comment: This missense variant replaces tyrosine with phenylalanine at codon 3540 of the RYR1 protein. Computational prediction suggests that this variant may not impact protein structure and function. To our knowledge, functional studies have not been reported for this variant. This variant has been reported in an individual affected with malignant hyperthermia susceptibility (PMID: 28682948). This variant has been identified in 16/281704 chromosomes in the general population by the Genome Aggregation Database (gnomAD). The available evidence is insufficient to determine the role of this variant in disease conclusively. Therefore, this variant is classified as a Variant of Uncertain Significance.

Revvity Omics, Revvity
Classification: Uncertain significance. Last evaluated: 2023-05-03. Review status: criteria provided, single submitter. Criteria: ACMG Guidelines, 2015. Collection method: clinical testing. Allele origin: germline.

CeGaT Center for Human Genetics Tuebingen
Classification: Uncertain significance. Last evaluated: 2020-09-01. Review status: criteria provided, single submitter. Criteria: CeGaT Center For Human Genetics Tuebingen Variant Classification Criteria Version 2. Collection method: clinical testing. Allele origin: germline. Affected: yes. Observed: 2 variant alleles.

Illumina Laboratory Services, Illumina
Classification: Uncertain significance for Malignant hyperthermia, susceptibility to, 1. Last evaluated: 2018-01-12. Review status: criteria provided, single submitter. Criteria: ICSL Variant Classification Criteria 13 December 2019. Collection method: clinical testing. Allele origin: germline.

Illumina Laboratory Services, Illumina
Classification: Uncertain significance for Congenital multicore myopathy with external ophthalmoplegia. Last evaluated: 2018-01-12. Review status: criteria provided, single submitter. Criteria: ICSL Variant Classification Criteria 13 December 2019. Collection method: clinical testing. Allele origin: germline.

PreventionGenetics, part of Exact Sciences
Classification: Uncertain significance for RYR1-related condition. Last evaluated: 2024-01-20. Review status: no assertion criteria provided. Collection method: clinical testing. Allele origin: germline. Not counted in ClinVar's aggregate classification.
Comment: The RYR1 c.10619A>T variant is predicted to result in the amino acid substitution p.Tyr3540Phe. To our knowledge, this variant has not been reported in the literature. This variant is reported in 0.011% of alleles in individuals of European (Non-Finnish) descent in gnomAD. At this time, the clinical significance of this variant is uncertain due to the absence of conclusive functional and genetic evidence.

Literature cited by the submitters: PubMed 28682948 (cited by Color Diagnostics, LLC DBA Color Health).

NM_000540.3(RYR1):c.10619A>T (p.Tyr3540Phe)

Gene: RYR1 (ryanodine receptor 1; plus strand). Cytogenetic location: 19q13.2.
Variant type: single nucleotide variant.
Coding change: c.10619A>T on transcript NM_000540.3 (MANE Select); coding-DNA position 10619, A replaced by T.
Protein change: p.Tyr3540Phe; replaces tyrosine 3540 with phenylalanine.
Molecular consequence: missense variant.
Genome position (GRCh38, 1-based): chr19:38,525,495, A>T. VCF-style: chr19-38525495-A-T. GRCh37 (hg19) VCF-style: chr19-39016135-A-T.
Other names: c.10604A>T, p.Tyr3535Phe (NM_001042723.2); short protein forms Y3540F, Y3535F.
Identifiers: ClinVar variation 579338 (VCV000579338.56), dbSNP rs752477271, ClinGen allele CA079947.